The following is an entry in ClinVar:

NM_018006.5(TRMU):c.953_954delinsA (p.Pro318fs)

Gene: TRMU (tRNA mitochondrial 2-thiouridylase; plus strand). Cytogenetic location: 22q13.31.
Variant type: Indel.
Coding change: c.953_954delinsA on transcript NM_018006.5 (MANE Select); coding-DNA positions 953 to 954, CC replaced by A.
Protein change: p.Pro318fs; shifts the reading frame from proline 318.
Molecular consequence: frameshift variant. On other transcripts: non-coding transcript variant (2).
Genome position (GRCh38, 1-based): chr22:46,355,523-46,355,524, CC replaced by A. VCF-style: chr22-46355523-CC-A. GRCh37 (hg19) VCF-style: chr22-46751420-CC-A.
Other names: c.611_612delinsA, p.Pro204fs (NM_001282782.2); c.533_534delinsA, p.Pro178fs (NM_001282783.2, NM_001282784.2); c.953_954delinsA, p.Pro318fs (NM_001282785.2); short protein forms P178fs, P204fs, P318fs.
Identifiers: ClinVar variation 5014281 (VCV005014281.1).
Genomic context (GRCh38, chr22:46,355,523, plus strand): 5'-CAGCCCTGTACAGGGACCTGCTGAGGACCAGCCGCGTGCACTGGATTGCGGAGGAGCCTC[CC>A]GCAGCACTGGTCCGGGACAAGATGATGGAGTGCCACTTCCGATTCCGCCACCAGATGGCA-3'

ClinVar aggregate classification (germline): Pathogenic (1 of 4 stars; one submission).

Conditions:
Acute infantile liver failure due to synthesis defect of mtDNA-encoded proteins. Also called: Liver failure acute infantile; LIVER FAILURE, INFANTILE, TRANSIENT; TRMU Deficiency. Identifiers: Orphanet 217371, MedGen C3278664, MONDO:0013111, OMIM 613070.

Submission:

Myriad Genetics, Inc.
Classification: Pathogenic for Acute infantile liver failure due to synthesis defect of mtDNA-encoded proteins. Last evaluated: 2024-05-14. Review status: criteria provided, single submitter. Criteria: Myriad Autosomal Dominant, Autosomal Recessive and X-Linked Classification Criteria (2023). Collection method: clinical testing. Allele origin: unknown.
Comment: NM_018006.4(TRMU):c.953_954delCCinsA(P318Qfs*9) is expected to be pathogenic in the context of acute liver failure, TRMU-related. This variant is predicted to lead to an abnormal or absent protein product due to the creation of a premature termination codon in TRMU, a gene where loss-of-function variants are known to be pathogenic. Please note: this variant was assessed in the context of healthy population screening.